The following is an entry in ClinVar:

NM_022772.4(EPS8L2):c.1020_1021delinsAA (p.Ala341Thr)

Gene: EPS8L2 (EPS8 signaling adaptor L2; plus strand). Cytogenetic location: 11p15.5.
Variant type: Indel.
Coding change: c.1020_1021delinsAA on transcript NM_022772.4 (MANE Select); coding-DNA positions 1020 to 1021, CG replaced by AA.
Protein change: p.Ala341Thr; replaces alanine 341 with threonine.
Molecular consequence: missense variant.
Genome position (GRCh38, 1-based): chr11:722,126-722,127, CG replaced by AA. VCF-style: chr11-722126-CG-AA. GRCh37 (hg19) VCF-style: chr11-722126-CG-AA.
Other names: short protein forms A341T.
Identifiers: ClinVar variation 1907552 (VCV001907552.5), dbSNP rs2494641845, ClinGen allele CA2580083868.

ClinVar aggregate classification (germline): Uncertain significance (1 of 4 stars; one submission).

Submission:

Labcorp Genetics (formerly Invitae), Labcorp
Classification: Uncertain significance. Last evaluated: 2022-07-19. Review status: criteria provided, single submitter. Criteria: Invitae Variant Classification Sherloc (09022015). Collection method: clinical testing. Allele origin: germline.
Comment: In summary, the available evidence is currently insufficient to determine the role of this variant in disease. Therefore, it has been classified as a Variant of Uncertain Significance. Experimental studies and prediction algorithms are not available or were not evaluated, and the functional significance of this variant is currently unknown. This variant has not been reported in the literature in individuals affected with EPS8L2-related conditions. Information on the frequency of this variant in the gnomAD database is not available, as this variant may be reported differently in the database. This sequence change replaces alanine, which is neutral and non-polar, with threonine, which is neutral and polar, at codon 341 of the EPS8L2 protein (p.Ala341Thr).